The following is an entry in ClinVar:

ClinVar aggregate classification (germline): Uncertain significance. Review status: criteria provided, multiple submitters, no conflicts (2 of 4 stars). 5 submissions from 5 submitters: Uncertain significance (4). 1 of the submissions does not count toward it. Last evaluated 2025-06-29.

Conditions:
Hereditary cancer-predisposing syndrome. Also called: Neoplastic Syndromes, Hereditary; Tumor predisposition; Hereditary Cancer Syndrome; Hereditary neoplastic syndrome. Identifiers: Orphanet 140162, MedGen C0027672, MeSH D009386, MONDO:0015356.
Fanconi anemia (FA). Also called: Fanconi's anemia. Identifiers: Orphanet 84, MedGen C0015625, MeSH D005199, MONDO:0019391.
Fanconi anemia complementation group C (FANCC). Also called: Fanconi anemia, group C; FANCC-Related Fanconi Anemia; FANCONI PANCYTOPENIA, TYPE 3; FACC. Identifiers: Orphanet 84, MedGen C3468041, MONDO:0009213, OMIM 227645.

Allele frequency attached by ClinVar (database versions not stated): gnomAD exomes below 0.00001; TOPMed below 0.00001; ExAC 0.00001; gnomAD 0.00001.
gnomAD v4.1: 9 of 1,614,022 alleles (0.00056%); highest among the groups gnomAD compares: South Asian, 0.0055%; no homozygotes.

Submissions (5):

Ambry Genetics
Classification: Uncertain significance for Hereditary cancer-predisposing syndrome. Last evaluated: 2025-06-29. Review status: criteria provided, single submitter. Criteria: Ambry Variant Classification Scheme 2023. Collection method: clinical testing. Allele origin: germline.
Comment: The p.D306N variant (also known as c.916G>A), located in coding exon 9 of the FANCC gene, results from a G to A substitution at nucleotide position 916. The aspartic acid at codon 306 is replaced by asparagine, an amino acid with highly similar properties. This amino acid position is well conserved in available vertebrate species. In addition, this alteration is predicted to be tolerated by in silico analysis. Since supporting evidence is limited at this time, the clinical significance of this alteration remains unclear.

Labcorp Genetics (formerly Invitae), Labcorp
Classification: Uncertain significance for Fanconi anemia. Last evaluated: 2024-04-30. Review status: criteria provided, single submitter. Criteria: Invitae Variant Classification Sherloc (09022015). Collection method: clinical testing. Allele origin: germline.
Comment: This sequence change replaces aspartic acid, which is acidic and polar, with asparagine, which is neutral and polar, at codon 306 of the FANCC protein (p.Asp306Asn). This variant is present in population databases (rs772992002, gnomAD 0.0009%). This variant has not been reported in the literature in individuals affected with FANCC-related conditions. ClinVar contains an entry for this variant (Variation ID: 456173). Advanced modeling of protein sequence and biophysical properties (such as structural, functional, and spatial information, amino acid conservation, physicochemical variation, residue mobility, and thermodynamic stability) performed at Invitae indicates that this missense variant is not expected to disrupt FANCC protein function with a negative predictive value of 80%. In summary, the available evidence is currently insufficient to determine the role of this variant in disease. Therefore, it has been classified as a Variant of Uncertain Significance.

Genetic Services Laboratory, University of Chicago
Classification: Uncertain significance. Last evaluated: 2023-03-01. Review status: criteria provided, single submitter. Criteria: ACMG Guidelines, 2015. Collection method: clinical testing. Allele origin: germline. Affected: no.
Comment: DNA sequence analysis of the FANCC gene demonstrated a sequence change, c.916G>A, in exon 10 that results in an amino acid change, p.Asp306Asn. This sequence change does not appear to have been previously described in individuals with FANCC-related disorders. This sequence change has been described in the gnomAD database in one individual which corresponds to a population frequency of 0.0004% (dbSNP rs772992002). The p.Asp306Asn change affects a highly conserved amino acid residue located in a domain of the FANCC protein that is known to be functional. In-silico pathogenicity prediction tools (SIFT, PolyPhen2, Align GVGD, REVEL) provide contradictory results for the p.Asp306Asn substitution. Due to insufficient evidence and the lack of functional studies, the clinical significance of the p.Asp306Asn change remains unknown at this time.

Quest Diagnostics Nichols Institute San Juan Capistrano
Classification: Uncertain significance. Last evaluated: 2022-11-16. Review status: criteria provided, single submitter. Criteria: Quest Diagnostics criteria. Collection method: clinical testing. Allele origin: unknown.
Comment: The frequency of this variant in the general population, 0.0000088 (1/113768 chromosomes), is uninformative in assessment of its pathogenicity. In a large case-control study, the variant has been reported in one individual with breast cancer as well as in an unaffected control (PMID: 33471991 (2021), see also LOVD). Analysis of this variant using bioinformatics tools for the prediction of the effect of amino acid changes on protein structure and function yielded predictions that this variant is benign. Based on the available information, we are unable to determine the clinical significance of this variant.

Natera, Inc.
Classification: Uncertain significance for Fanconi anemia, group C. Last evaluated: 2020-09-16. Review status: no assertion criteria provided. Collection method: clinical testing. Allele origin: germline. Not counted in ClinVar's aggregate classification.

Literature cited by the submitters: PubMed 33471991 (cited by Quest Diagnostics Nichols Institute San Juan Capistrano).

NM_000136.3(FANCC):c.916G>A (p.Asp306Asn)

Genes: AOPEP (aminopeptidase O (putative); plus strand), FANCC (FA complementation group C; minus strand). Cytogenetic location: 9q22.32.
Variant type: single nucleotide variant.
Coding change: c.916G>A on transcript NM_000136.3 (MANE Select); coding-DNA position 916, G replaced by A.
Protein change: p.Asp306Asn; replaces aspartic acid 306 with asparagine.
Molecular consequence: missense variant.
Genome position (GRCh38, 1-based): chr9:95,125,166, C>T on the plus strand (G>A on the coding strand, the complement: FANCC is on the minus strand). VCF-style: chr9-95125166-C-T. GRCh37 (hg19) VCF-style: chr9-97887448-C-T.
Other names: c.916G>A, p.Asp306Asn (NM_001243743.2, NM_001243744.2); short protein forms D306N.
Identifiers: ClinVar variation 456173 (VCV000456173.19), dbSNP rs772992002, ClinGen allele CA5137580.